The following is an entry in ClinVar:

ClinVar aggregate classification (germline): Uncertain significance. Review status: criteria provided, multiple submitters, no conflicts (2 of 4 stars). 3 submissions from 3 submitters: Uncertain significance (3). Last evaluated 2026-01-08.

Conditions:
POLD1-related polyposis and colorectal cancer syndrome (CRCS10). Also called: COLORECTAL CANCER, SUSCEPTIBILITY TO, ON CHROMOSOME 19q; Colorectal cancer 10; Colorectal cancer, susceptibility to, 10. Identifiers: Orphanet 220460, MedGen C2675481, MONDO:0012953, OMIM 612591.
Hereditary cancer-predisposing syndrome. Also called: Neoplastic Syndromes, Hereditary; Tumor predisposition; Hereditary Cancer Syndrome; Hereditary neoplastic syndrome. Identifiers: Orphanet 140162, MedGen C0027672, MeSH D009386, MONDO:0015356.

Allele frequency attached by ClinVar (database versions not stated): gnomAD exomes below 0.00001; TOPMed 0.00001.
gnomAD v4.1: 1 of 1,602,256 alleles (0.000062%); highest among the groups gnomAD compares: Non-Finnish European, 0.000085%; no homozygotes.

Submissions (3):

Labcorp Genetics (formerly Invitae), Labcorp
Classification: Uncertain significance for POLD1-related polyposis and colorectal cancer syndrome. Last evaluated: 2026-01-08. Review status: criteria provided, single submitter. Criteria: Invitae Variant Classification Sherloc (09022015). Collection method: clinical testing. Allele origin: germline.
Comment: This sequence change replaces glycine, which is neutral and non-polar, with aspartic acid, which is acidic and polar, at codon 1063 of the POLD1 protein (p.Gly1063Asp). This variant is not present in population databases (gnomAD no frequency). This variant has not been reported in the literature in individuals affected with POLD1-related conditions. ClinVar contains an entry for this variant (Variation ID: 2421076). Invitae Evidence Modeling of protein sequence and biophysical properties (such as structural, functional, and spatial information, amino acid conservation, physicochemical variation, residue mobility, and thermodynamic stability) indicates that this missense variant is not expected to disrupt POLD1 protein function with a negative predictive value of 80%. In summary, the available evidence is currently insufficient to determine the role of this variant in disease. Therefore, it has been classified as a Variant of Uncertain Significance.

Ambry Genetics
Classification: Uncertain significance for Hereditary cancer-predisposing syndrome. Last evaluated: 2023-11-17. Review status: criteria provided, single submitter. Criteria: Ambry Variant Classification Scheme 2023. Collection method: clinical testing. Allele origin: germline.
Comment: The p.G1063D variant (also known as c.3188G>A), located in coding exon 25 of the POLD1 gene, results from a G to A substitution at nucleotide position 3188. The glycine at codon 1063 is replaced by aspartic acid, an amino acid with similar properties. This amino acid position is conserved. In addition, the in silico prediction for this alteration is inconclusive. Since supporting evidence is limited at this time, the clinical significance of this alteration remains unclear.

GeneDx
Classification: Uncertain significance. Last evaluated: 2023-04-04. Review status: criteria provided, single submitter. Criteria: GeneDx Variant Classification Process June 2021. Collection method: clinical testing. Allele origin: germline. Affected: yes.
Comment: Not observed at significant frequency in large population cohorts (gnomAD); In silico analysis supports that this missense variant has a deleterious effect on protein structure/function; Has not been previously published as pathogenic or benign to our knowledge

NM_002691.4(POLD1):c.3188G>A (p.Gly1063Asp)

Gene: POLD1 (DNA polymerase delta 1, catalytic subunit; plus strand). Cytogenetic location: 19q13.33.
Variant type: single nucleotide variant.
Coding change: c.3188G>A on transcript NM_002691.4 (MANE Select); coding-DNA position 3188, G replaced by A.
Protein change: p.Gly1063Asp; replaces glycine 1063 with aspartic acid.
Molecular consequence: missense variant. On other transcripts: non-coding transcript variant (1).
Genome position (GRCh38, 1-based): chr19:50,417,239, G>A. VCF-style: chr19-50417239-G-A. GRCh37 (hg19) VCF-style: chr19-50920496-G-A.
Other names: c.3188G>A, p.Gly1063Asp (NM_001256849.1); c.3266G>A, p.Gly1089Asp (NM_001308632.1); c.3188G>A (NM_002691.3, NM_002691.2); short protein forms G1063D, G1089D.
Identifiers: ClinVar variation 2421076 (VCV002421076.8), dbSNP rs1160509272, ClinGen allele CA406987472.